The following is an entry in ClinVar:

NM_024426.6(WT1):c.1427G>T (p.Arg476Met)

Gene: WT1 (WT1 transcription factor; minus strand). Cytogenetic location: 11p13.
Variant type: single nucleotide variant.
Coding change: c.1427G>T on transcript NM_024426.6 (MANE Select); coding-DNA position 1427, G replaced by T.
Protein change: p.Arg476Met; replaces arginine 476 with methionine.
Molecular consequence: missense variant. On other transcripts: non-coding transcript variant (2), intron variant (2).
Genome position (GRCh38, 1-based): chr11:32,391,992, C>A on the plus strand (G>T on the coding strand, the complement: WT1 is on the minus strand). VCF-style: chr11-32391992-C-A. GRCh37 (hg19) VCF-style: chr11-32413538-C-A.
Other names: c.1376G>T, p.Arg459Met (NM_000378.6, NM_001407045.1); c.776G>T, p.Arg259Met (NM_001198551.2); c.725G>T, p.Arg242Met (NM_001198552.2); c.239G>T, p.Arg80Met (NM_001367854.1); c.1421G>T, p.Arg474Met (NM_001407044.1); c.1304G>T, p.Arg435Met (NM_001407047.1); c.1286G>T, p.Arg429Met (NM_001407048.1); c.1253G>T, p.Arg418Met (NM_001407050.1); and 6 more; short protein forms R435M, R242M, R259M, R386M, R403M, R418M, R476M, R459M.
Identifiers: ClinVar variation 3817491 (VCV003817491.1).

ClinVar aggregate classification (germline): Uncertain significance (1 of 4 stars; one submission).

Conditions:
Inborn genetic diseases. Identifiers: MedGen C0950123, MeSH D030342.

Submission:

Ambry Genetics
Classification: Uncertain significance for Inborn genetic diseases. Last evaluated: 2025-03-07. Review status: criteria provided, single submitter. Criteria: Ambry Variant Classification Scheme 2023. Collection method: clinical testing. Allele origin: germline.
Comment: The p.R471M variant (also known as c.1412G>T), located in coding exon 9 of the WT1 gene, results from a G to T substitution at nucleotide position 1412. The arginine at codon 471 is replaced by methionine, an amino acid with similar properties. This amino acid position is conserved. In addition, this alteration is predicted to be deleterious by in silico analysis. Based on the available evidence, the clinical significance of this variant remains unclear.